The following is an entry in ClinVar:

ClinVar aggregate classification (germline): Pathogenic. Review status: criteria provided, multiple submitters, no conflicts (2 of 4 stars). 2 submissions from 2 submitters: Pathogenic (2). Last evaluated 2025-08-22.

Conditions:
Osteogenesis imperfecta type I (OI1). Also called: Lobstein's Disease; Lobstein disease; OI, TYPE I; OSTEOGENESIS IMPERFECTA TARDA; OSTEOGENESIS IMPERFECTA WITH BLUE SCLERAE; Osteogenesis imperfecta type 1. Identifiers: Orphanet 216796, Orphanet 666, MedGen C0023931, MONDO:0008146, OMIM 166200. Disease mechanism: loss of function.
autosomal dominant COL1A1-related osteogenesis imperfecta.

Submissions (2):

Variantyx, Inc.
Classification: Pathogenic for autosomal dominant COL1A1-related osteogenesis imperfecta. Last evaluated: 2025-08-22. Review status: criteria provided, single submitter. Criteria: Variantyx Assertion Criteria 2022. Collection method: clinical testing. Allele origin: germline. Inheritance: Autosomal dominant inheritance. Affected: yes.
Comment: This is a canonical splicing variant in the COL1A1 gene (OMIM: 120150). Pathogenic variants in this gene have been associated with autosomal dominant COL1A1-related osteogenesis imperfecta . This splicing variant is expected to result in loss of function, which is a known disease mechanism for COL1A1 in this disorder (PMID: 25963598, 20301472) (PVS1). An alternate change within the same splice donor/acceptor motif (NM_000088.4: c.859-1G>A) has been reported in at least one affected individual (PMID: 17078022) (PS1_Moderate), and the alteration is absent from control populations (PM2). Based on the current evidence, this variant is classified as pathogenic for autosomal dominant COL1A1-related osteogenesis imperfecta.

Labcorp Genetics (formerly Invitae), Labcorp
Classification: Pathogenic for Osteogenesis imperfecta type I. Last evaluated: 2025-03-10. Review status: criteria provided, single submitter. Criteria: Invitae Variant Classification Sherloc (09022015). Collection method: clinical testing. Allele origin: germline.
Comment: This sequence change affects an acceptor splice site in intron 12 of the COL1A1 gene. It is expected to disrupt RNA splicing. Variants that disrupt the donor or acceptor splice site typically lead to a loss of protein function (PMID: 16199547), and loss-of-function variants in COL1A1 are known to be pathogenic (PMID: 7942841, 9295084, 9443882). This variant is not present in population databases (gnomAD no frequency). Disruption of this splice site has been observed in individuals with osteogenesis imperfecta (PMID: 16879195; internal data). ClinVar contains an entry for this variant (Variation ID: 857877). Algorithms developed to predict the effect of sequence changes on RNA splicing suggest that this variant may disrupt the consensus splice site. For these reasons, this variant has been classified as Pathogenic.

Literature cited by the submitters: PubMed 25963598 (cited by Variantyx, Inc.); PubMed 20301472 (cited by Variantyx, Inc.); PubMed 17078022 (cited by Variantyx, Inc.); PubMed 16199547 (cited by Labcorp Genetics (formerly Invitae), Labcorp); PubMed 7942841 (cited by Labcorp Genetics (formerly Invitae), Labcorp); PubMed 9295084 (cited by Labcorp Genetics (formerly Invitae), Labcorp); PubMed 9443882 (cited by Labcorp Genetics (formerly Invitae), Labcorp); PubMed 16879195 (cited by Labcorp Genetics (formerly Invitae), Labcorp).

NM_000088.4(COL1A1):c.859-2A>G

Genes: COL1A1 (collagen type I alpha 1 chain; minus strand), LOC126862586 (CDK7 strongly-dependent group 2 enhancer GRCh37_chr17:48273702-48274901; plus strand). Cytogenetic location: 17q21.33.
Variant type: single nucleotide variant.
Coding change: c.859-2A>G on transcript NM_000088.4 (MANE Select); the canonical splice acceptor site of the intron before coding-DNA position 859, A replaced by G.
Molecular consequence: splice acceptor variant.
Genome position (GRCh38, 1-based): chr17:50,196,530, T>C on the plus strand (A>G on the coding strand, the complement: COL1A1 is on the minus strand). VCF-style: chr17-50196530-T-C. GRCh37 (hg19) VCF-style: chr17-48273891-T-C.
Identifiers: ClinVar variation 857877 (VCV000857877.11), dbSNP rs72645338, ClinGen allele CA400222324.
Genomic context (GRCh38, chr17:50,196,530, plus strand): 5'-CTGGGCACACTCACCATCTGACCAGGAGCTCCATTTTCACCAGGGCTGCCAGGCTCACCC[T>C]GTAGATCAGAGAATAATGAGTGAGAAATTCATTCATGGTGGGACTCTGGGGATGTGGAGG-3'